The following is an entry in ClinVar:

NM_006254.4(PRKCD):c.1652A>G (p.Asp551Gly)

Gene: PRKCD (protein kinase C delta; plus strand). Cytogenetic location: 3p21.1.
Variant type: single nucleotide variant.
Coding change: c.1652A>G on transcript NM_006254.4 (MANE Select); coding-DNA position 1652, A replaced by G.
Protein change: p.Asp551Gly; replaces aspartic acid 551 with glycine.
Molecular consequence: missense variant.
Genome position (GRCh38, 1-based): chr3:53,189,155, A>G. VCF-style: chr3-53189155-A-G. GRCh37 (hg19) VCF-style: chr3-53223171-A-G.
Other names: c.1652A>G, p.Asp551Gly (NM_001316327.2, NM_001354679.2, NM_001354680.2 and 1 more transcripts); c.1709A>G, p.Asp570Gly (NM_001354676.2); c.1700A>G, p.Asp567Gly (NM_001354678.2); short protein forms D551G, D570G, D567G.
Identifiers: ClinVar variation 857326 (VCV000857326.4), dbSNP rs1703825504, ClinGen allele CA353223894.

ClinVar aggregate classification (germline): Uncertain significance (1 of 4 stars; one submission).

Conditions:
Autoimmune lymphoproliferative syndrome, type III caused by mutation in PRKCD. Identifiers: Orphanet 3261, Orphanet 664711, MedGen C3809928, MONDO:8000024, OMIM 615559.

Submission:

Labcorp Genetics (formerly Invitae), Labcorp
Classification: Uncertain significance for Autoimmune lymphoproliferative syndrome, type III caused by mutation in PRKCD. Last evaluated: 2022-09-12. Review status: criteria provided, single submitter. Criteria: Invitae Variant Classification Sherloc (09022015). Collection method: clinical testing. Allele origin: germline.
Comment: This sequence change replaces aspartic acid, which is acidic and polar, with glycine, which is neutral and non-polar, at codon 551 of the PRKCD protein (p.Asp551Gly). This variant is not present in population databases (gnomAD no frequency). This variant has not been reported in the literature in individuals affected with PRKCD-related conditions. ClinVar contains an entry for this variant (Variation ID: 857326). Algorithms developed to predict the effect of missense changes on protein structure and function are either unavailable or do not agree on the potential impact of this missense change (SIFT: "Deleterious"; PolyPhen-2: "Probably Damaging"; Align-GVGD: "Class C0"). In summary, the available evidence is currently insufficient to determine the role of this variant in disease. Therefore, it has been classified as a Variant of Uncertain Significance.